The following is an entry in ClinVar:

NM_004260.4(RECQL4):c.3239T>C (p.Val1080Ala)

Gene: RECQL4 (RecQ like helicase 4; minus strand). Cytogenetic location: 8q24.3.
Variant type: single nucleotide variant.
Coding change: c.3239T>C on transcript NM_004260.4 (MANE Select); coding-DNA position 3239, T replaced by C.
Protein change: p.Val1080Ala; replaces valine 1080 with alanine.
Molecular consequence: missense variant.
Genome position (GRCh38, 1-based): chr8:144,512,065, A>G on the plus strand (T>C on the coding strand, the complement: RECQL4 is on the minus strand). VCF-style: chr8-144512065-A-G. GRCh37 (hg19) VCF-style: chr8-145737448-A-G.
Other names: short protein forms V1080A.
Identifiers: ClinVar variation 1448160 (VCV001448160.7), dbSNP rs757086331, ClinGen allele CA4947842.

ClinVar aggregate classification (germline): Uncertain significance. Review status: criteria provided, multiple submitters, no conflicts (2 of 4 stars). 2 submissions from 2 submitters: Uncertain significance (2). Last evaluated 2025-10-01.

Conditions:
Hereditary cancer-predisposing syndrome. Also called: Tumor predisposition; Hereditary neoplastic syndrome; Hereditary Cancer Syndrome; Neoplastic Syndromes, Hereditary. Identifiers: Orphanet 140162, MedGen C0027672, MeSH D009386, MONDO:0015356.
Baller-Gerold syndrome (BGS). Also called: CRANIOSYNOSTOSIS WITH RADIAL DEFECTS. Identifiers: Orphanet 1225, MedGen C0265308, MONDO:0009039, OMIM 218600.

Allele frequency attached by ClinVar (database versions not stated): gnomAD exomes below 0.00001; ExAC 0.00001.

Submissions (2):

Labcorp Genetics (formerly Invitae), Labcorp
Classification: Uncertain significance for Baller-Gerold syndrome. Last evaluated: 2025-10-01. Review status: criteria provided, single submitter. Criteria: Invitae Variant Classification Sherloc (09022015). Collection method: clinical testing. Allele origin: germline.
Comment: This sequence change replaces valine, which is neutral and non-polar, with alanine, which is neutral and non-polar, at codon 1080 of the RECQL4 protein (p.Val1080Ala). The frequency data for this variant in the population databases is considered unreliable, as metrics indicate poor data quality at this position in the gnomAD database. This variant has not been reported in the literature in individuals affected with RECQL4-related conditions. ClinVar contains an entry for this variant (Variation ID: 1448160). Experimental studies and prediction algorithms are not available or were not evaluated, and the functional significance of this variant is currently unknown. In summary, the available evidence is currently insufficient to determine the role of this variant in disease. Therefore, it has been classified as a Variant of Uncertain Significance.

Sema4
Classification: Uncertain significance for Hereditary cancer-predisposing syndrome. Last evaluated: 2021-11-25. Review status: criteria provided, single submitter. Criteria: Sema4 Curation Guidelines. Collection method: curation. Allele origin: germline.
Comment: The RECQL4 c.3239T>C (p.V1080A) variant has not been reported in the literature to our knowledge. It was observed in 1/107492 chromosomes of the European (non-Finnish) subpopulation in the large and broad cohorts of the Genome Aggregation Database (PMID: 32461654). This variant has not been reported in ClinVar. Functional studies have not been performed and in silico predictions of the variant's effect on protein function are inconclusive. The evidence is insufficient to meet ACMG/AMP criteria for classifying the variant as benign or pathogenic. Thus, the clinical significance of this variant is currently uncertain.